The following is an entry in ClinVar:

ClinVar aggregate classification (germline): Benign/Likely benign. Review status: criteria provided, multiple submitters, no conflicts (2 of 4 stars). 2 submissions from 2 submitters: Benign (1); Likely benign (1). Last evaluated 2026-01-22.

Conditions:
ALG12-congenital disorder of glycosylation (CDG1G). Also called: ALG12-CDG; CDG Ig; Congenital disorder of glycosylation, type Ig. Identifiers: Orphanet 79324, MedGen C2931001, MONDO:0011783, OMIM 607143.
ALG12-related disorder. Also called: ALG12-related condition.

Allele frequency attached by ClinVar (database versions not stated): TOPMed 0.00007; 1000 Genomes Project 30x 0.00016; gnomAD exomes 0.00017 and 0.00037; 1000 Genomes Project 0.00020; ExAC 0.00038.
gnomAD v4.1: 106 of 1,613,364 alleles (0.0066%); highest among the groups gnomAD compares: Admixed American, 0.17%; 1 homozygote.

Submissions (2):

Labcorp Genetics (formerly Invitae), Labcorp
Classification: Benign for ALG12-congenital disorder of glycosylation. Last evaluated: 2026-01-22. Review status: criteria provided, single submitter. Criteria: Invitae Variant Classification Sherloc (09022015). Collection method: clinical testing. Allele origin: germline.

PreventionGenetics, part of Exact Sciences
Classification: Likely benign for ALG12-related condition. Last evaluated: 2025-12-02. Review status: criteria provided, single submitter. Criteria: ACMG Guidelines, 2015. Collection method: clinical testing. Allele origin: germline.
Comment: This variant is classified as likely benign based on ACMG/AMP sequence variant interpretation guidelines (Richards et al. 2015 PMID: 25741868, with internal and published modifications).

NM_024105.4(ALG12):c.465T>C (p.Pro155=)

Gene: ALG12 (ALG12 alpha-1,6-mannosyltransferase; minus strand). Cytogenetic location: 22q13.33.
Variant type: single nucleotide variant.
Coding change: c.465T>C on transcript NM_024105.4 (MANE Select); coding-DNA position 465, T replaced by C.
Protein change: p.Pro155=; no amino-acid change (proline 155 retained).
Molecular consequence: synonymous variant.
Genome position (GRCh38, 1-based): chr22:49,910,438, A>G on the plus strand (T>C on the coding strand, the complement: ALG12 is on the minus strand). VCF-style: chr22-49910438-A-G. GRCh37 (hg19) VCF-style: chr22-50304086-A-G.
Identifiers: ClinVar variation 786788 (VCV000786788.11), dbSNP rs201564211, ClinGen allele CA10300618.